The following is an entry in ClinVar:

NM_005502.4(ABCA1):c.1590G>T (p.Arg530Ser)

Gene: ABCA1 (ATP binding cassette subfamily A member 1; minus strand). Cytogenetic location: 9q31.1.
Variant type: single nucleotide variant.
Coding change: c.1590G>T on transcript NM_005502.4 (MANE Select); coding-DNA position 1590, G replaced by T.
Protein change: p.Arg530Ser; replaces arginine 530 with serine.
Molecular consequence: missense variant.
Genome position (GRCh38, 1-based): chr9:104,831,747, C>A on the plus strand (G>T on the coding strand, the complement: ABCA1 is on the minus strand). VCF-style: chr9-104831747-C-A. GRCh37 (hg19) VCF-style: chr9-107594028-C-A.
Other names: short protein forms R530S.
Identifiers: ClinVar variation 1775915 (VCV001775915.2), dbSNP rs2538180322, ClinGen allele CA374324871.
Genomic context (GRCh38, chr9:104,831,747, plus strand): 5'-ATGGGGCAGCTCAATGCTGCCTGGAGTAATTCCAGTGAACACAATACCAGCCCAGAACTT[C>A]CTCTCATCCAGCAGCTCCATGGACTTGTTGATGAGCCAGACTTCTGTTGCTATGGGTTCT-3'
Protein context (NP_005493.2, residues 520-540): INKSMELLDE[Arg530Ser]KFWAGIVFTG

ClinVar aggregate classification (germline): Uncertain significance (1 of 4 stars; one submission).

Conditions:
Cardiovascular phenotype. Identifiers: MedGen CN230736.

Submission:

Ambry Genetics
Classification: Uncertain significance for Cardiovascular phenotype. Last evaluated: 2021-09-21. Review status: criteria provided, single submitter. Criteria: Ambry Variant Classification Scheme 2023. Collection method: clinical testing. Allele origin: germline.
Comment: The p.R530S variant (also known as c.1590G>T), located in coding exon 12 of the ABCA1 gene, results from a G to T substitution at nucleotide position 1590. The arginine at codon 530 is replaced by serine, an amino acid with dissimilar properties. This amino acid position is conserved. In addition, the in silico prediction for this alteration is inconclusive. Since supporting evidence is limited at this time, the clinical significance of this alteration remains unclear.